The following is an entry in ClinVar:

ClinVar aggregate classification (germline): Uncertain significance (1 of 4 stars; one submission).

Conditions:
Wilson disease (WND). Also called: Wilson's disease. Identifiers: Orphanet 905, MedGen C0019202, MONDO:0010200, OMIM 277900. Disease mechanism: loss of function.

Submission:

Myriad Genetics, Inc.
Classification: Uncertain significance for Wilson disease. Last evaluated: 2025-11-24. Review status: criteria provided, single submitter. Criteria: Myriad Autosomal Dominant, Autosomal Recessive and X-Linked Classification Criteria (2023). Collection method: clinical testing. Allele origin: unknown.
Comment: NM_000053.3(ATP7B):c.2064_2066delCAT(I689del) is an in-frame deletion classified as a variant of uncertain significance in the context of Wilson disease. I689del has not been observed in cases with relevant disease. Relevant functional assessments of this variant are not available in the literature. I689del has not been observed in referenced population frequency databases. In summary, there is insufficient evidence to classify NM_000053.3(ATP7B):c.2064_2066delCAT(I689del) as pathogenic or benign. Please note: this variant was assessed in the context of healthy population screening.

NM_000053.4(ATP7B):c.2061CAT[1] (p.Ile689del)

Gene: ATP7B (ATPase copper transporting beta; minus strand). Cytogenetic location: 13q14.3.
Variant type: Microsatellite.
Coding change: c.2061CAT[1] on transcript NM_000053.4 (MANE Select); one copy of the 3-base unit CAT starting at c.2061; the reference has two copies in a row; one copy, 3 bases deleted.
Protein change: p.Ile689del; deletes isoleucine 689.
Molecular consequence: inframe deletion. On other transcripts: intron variant (13).
Genome position (GRCh38, 1-based): chr13:51,960,203-51,960,205, ATG deleted on the plus strand (CAT on the coding strand, the reverse complement: ATP7B is on the minus strand); deleting any 3 consecutive bases within chr13:51,960,203-51,960,208 gives the same sequence; the position shown is the placement nearest the transcript's 3' end. VCF-style (leftmost placement, unchanged base first): chr13-51960202-AATG-A. GRCh37 (hg19) VCF-style: chr13-52534338-AATG-A.
Other names: c.1728CAT[1], p.Ile578del (NM_001243182.2); c.2061CAT[1], p.Ile689del (NM_001330578.2, NM_001406511.1, NM_001406512.1 and 16 more transcripts); c.2028CAT[1], p.Ile678del (NM_001406514.1, NM_001406524.1); c.1965CAT[1], p.Ile657del (NM_001406517.1, NM_001406518.1, NM_001406530.1 and 1 more transcripts); c.1632CAT[1], p.Ile546del (NM_001406539.1); c.1870-2598_1870-2596del (NM_001406541.1, NM_001005918.3, NM_001406546.1 and 1 more transcripts); c.1870-1661_1870-1659del (NM_001406531.1, NM_001406532.1, NM_001406540.1 and 1 more transcripts); c.1774-1661_1774-1659del (NM_001406543.1); and 3 more; short protein forms I546del, I657del, I578del, I678del, I689del.
Identifiers: ClinVar variation 5004295 (VCV005004295.1).